The following is an entry in ClinVar:

NM_017433.5(MYO3A):c.457G>A (p.Gly153Ser)

Gene: MYO3A (myosin IIIA; plus strand). Cytogenetic location: 10p12.1.
Variant type: single nucleotide variant.
Coding change: c.457G>A on transcript NM_017433.5 (MANE Select); coding-DNA position 457, G replaced by A.
Protein change: p.Gly153Ser; replaces glycine 153 with serine.
Molecular consequence: missense variant.
Genome position (GRCh38, 1-based): chr10:25,997,207, G>A. VCF-style: chr10-25997207-G-A. GRCh37 (hg19) VCF-style: chr10-26286136-G-A.
Other names: c.457G>A, p.Gly153Ser (NM_001368265.1); short protein forms G153S.
Identifiers: ClinVar variation 1304456 (VCV001304456.5), dbSNP rs773233985, ClinGen allele CA204382783.

ClinVar aggregate classification (germline): Uncertain significance. Review status: criteria provided, multiple submitters, no conflicts (2 of 4 stars). 2 submissions from 2 submitters: Uncertain significance (2). Last evaluated 2026-01-09.

Conditions:
Inborn genetic diseases. Identifiers: MedGen C0950123, MeSH D030342.

Allele frequency attached by ClinVar (database versions not stated): TOPMed 0.00002.

Submissions (2):

GeneDx
Classification: Uncertain significance. Last evaluated: 2026-01-09. Review status: criteria provided, single submitter. Criteria: GeneDx Variant Classification Process June 2021. Collection method: clinical testing. Allele origin: germline. Affected: yes.
Comment: Not observed at significant frequency in large population cohorts (gnomAD); In silico analysis supports that this missense variant has a deleterious effect on protein structure/function; Has not been previously published as pathogenic or benign to our knowledge

Ambry Genetics
Classification: Uncertain significance for Inborn genetic diseases. Last evaluated: 2025-12-08. Review status: criteria provided, single submitter. Criteria: Ambry Variant Classification Scheme 2023. Collection method: clinical testing. Allele origin: germline.